The following is an entry in ClinVar:

ClinVar aggregate classification (germline): Uncertain significance. Review status: criteria provided, multiple submitters, no conflicts (2 of 4 stars). 2 submissions from 2 submitters: Uncertain significance (2). Last evaluated 2021-04-29.

Conditions:
Primary ciliary dyskinesia. Also called: Ciliary dyskinesia. Identifiers: Orphanet 244, MedGen C0008780, MONDO:0016575, HP:0012265.

Submissions (2):

Blueprint Genetics
Classification: Uncertain significance. Last evaluated: 2021-04-29. Review status: criteria provided, single submitter. Criteria: ACMG Guidelines, 2015. Collection method: clinical testing. Allele origin: germline.

Ambry Genetics
Classification: Uncertain significance for Primary ciliary dyskinesia. Last evaluated: 2020-08-21. Review status: criteria provided, single submitter. Criteria: Ambry Variant Classification Scheme 2023. Collection method: clinical testing. Allele origin: germline.
Comment: The p.N2271S variant (also known as c.6812A>G), located in coding exon 41 of the DNAH11 gene, results from an A to G substitution at nucleotide position 6812. The asparagine at codon 2271 is replaced by serine, an amino acid with highly similar properties. This amino acid position is highly conserved in available vertebrate species. In addition, the in silico prediction for this alteration is inconclusive. Since supporting evidence is limited at this time, the clinical significance of this alteration remains unclear.

NM_001277115.2(DNAH11):c.6812A>G (p.Asn2271Ser)

Gene: DNAH11 (dynein axonemal heavy chain 11; plus strand). Cytogenetic location: 7p15.3.
Variant type: single nucleotide variant.
Coding change: c.6812A>G on transcript NM_001277115.2 (MANE Select); coding-DNA position 6812, A replaced by G.
Protein change: p.Asn2271Ser; replaces asparagine 2271 with serine.
Molecular consequence: missense variant.
Genome position (GRCh38, 1-based): chr7:21,710,681, A>G. VCF-style: chr7-21710681-A-G. GRCh37 (hg19) VCF-style: chr7-21750299-A-G.
Other names: c.6833A>G, p.Asn2278Ser (NM_003777.3); short protein forms N2278S, N2271S.
Identifiers: ClinVar variation 1755582 (VCV001755582.3), dbSNP rs2534986697, ClinGen allele CA366940848.